The following is an entry in ClinVar:

ClinVar aggregate classification (germline): Pathogenic/Likely pathogenic. Review status: criteria provided, multiple submitters, no conflicts (2 of 4 stars). 6 submissions from 6 submitters: Pathogenic (4); Likely pathogenic (1). 1 of the submissions does not count toward it. Last evaluated 2025-07-07.

Conditions:
Leukodystrophy, hypomyelinating, 13. Identifiers: MedGen C4225170, MONDO:0014813, OMIM 616881.
HIKESHI-related disorder. Also called: HIKESHI-related condition.

Allele frequency attached by ClinVar (database versions not stated): ESP Exome Variant Server 0.00008; gnomAD 0.00009 and 0.00010; gnomAD exomes 0.00009 and 0.00014; TOPMed 0.00009; ExAC 0.00011.
gnomAD v4.1: 144 of 1,613,666 alleles (0.0089%); highest among the groups gnomAD compares: Non-Finnish European, 0.0036%; 1 homozygote.

Submissions (6):

Labcorp Genetics (formerly Invitae), Labcorp
Classification: Pathogenic. Last evaluated: 2025-07-07. Review status: criteria provided, single submitter. Criteria: Invitae Variant Classification Sherloc (09022015). Collection method: clinical testing. Allele origin: germline.
Comment: This sequence change replaces valine, which is neutral and non-polar, with leucine, which is neutral and non-polar, at codon 54 of the HIKESHI protein (p.Val54Leu). This variant is present in population databases (rs202003795, gnomAD 0.3%). This missense change has been observed in individual(s) with congenital leukodystrophy (PMID: 26545878, 31912665). It has also been observed to segregate with disease in related individuals. ClinVar contains an entry for this variant (Variation ID: 224891). An algorithm developed to predict the effect of missense changes on protein structure and function (PolyPhen-2) suggests that this variant is likely to be tolerated. Experimental studies have shown that this missense change affects HIKESHI function (PMID: 26545878). For these reasons, this variant has been classified as Pathogenic.

Revvity Omics, Revvity
Classification: Likely pathogenic for Leukodystrophy, hypomyelinating, 13. Last evaluated: 2025-04-16. Review status: criteria provided, single submitter. Criteria: ACMG Guidelines, 2015. Collection method: clinical testing. Allele origin: germline.

Laboratory of Genetics, Children's Clinical University Hospital Latvia
Classification: Pathogenic. Last evaluated: 2025-02-16. Review status: criteria provided, single submitter. Criteria: ACMG Guidelines, 2015. Collection method: clinical testing. Allele origin: germline. Affected: yes.

Women's Health and Genetics/Laboratory Corporation of America, LabCorp
Classification: Pathogenic for Leukodystrophy, hypomyelinating, 13. Last evaluated: 2024-08-12. Review status: criteria provided, single submitter. Criteria: LabCorp Variant Classification Summary - May 2015. Collection method: clinical testing. Allele origin: germline.
Comment: Variant summary: HIKESHI c.160G>C (p.Val54Leu) results in a conservative amino acid change located in the Hikeshi-like, N-terminal domain (IPR008493) of the encoded protein sequence. Three of five in-silico tools predict a damaging effect of the variant on protein function. The variant allele was found at a global frequency of 8.9e-05 and at a frequency of 0.003 among the Ashkenazi-Jewish subpopulation (including 1 homozygote) in 1613666 control chromosomes in the gnomAD database. This variant has been proposed as a founder variant among individuals of Ashkenazi-Jewish descent (example, Edvardson_2016, Helman_2021). c.160G>C has been reported in the literature in numerous homozygous individuals affected with Hypomyelinating Leukodystrophy 13 (example, Edvardson_2016, Helman_2020, Helman_2021, Sukenik-Halevy_2022). These data indicate that the variant is very likely to be associated with disease. In patient-derived fibroblasts, this variant was associated with undetectable levels of HIKESHI-encoded protein (example, Edvardson_2016) however follow up experiments in rat oligodendrocytes did not find any impact to protein expression (example, Miyamoto_2023). Markers of rat oligodendrocyte differentiation were reduced vs. wild type in this model (example, Miyamoto_2023). The following publications have been ascertained in the context of this evaluation (PMID: 26545878, 31912665, 34111619, 37965292, 35032046, 37267771). ClinVar contains an entry for this variant (Variation ID: 224891). Based on the evidence outlined above, the variant was classified as pathogenic.

PreventionGenetics, part of Exact Sciences
Classification: Pathogenic for HIKESHI-related condition. Last evaluated: 2023-06-13. Review status: criteria provided, single submitter. Criteria: ACMG Guidelines, 2015. Collection method: clinical testing. Allele origin: germline.
Comment: The HIKESHI c.160G>C variant is predicted to result in the amino acid substitution p.Val54Leu. This variant has been reported in the homozygous state in multiple individuals with hypomyelinating leukodystrophy-13, and segregated with disease in families (Edvardson et al. 2016. PubMed ID: 26545878). In addition, Edvardson et al. demonstrated that homozygous patients had undetectable levels of the HIKESHI protein in fibroblasts. This variant is reported in 0.27% of alleles in individuals of Ashkenazi Jewish descent in gnomAD. This variant is interpreted as pathogenic.

OMIM
Classification: Pathogenic for LEUKODYSTROPHY, HYPOMYELINATING, 13. Last evaluated: 2017-08-09. Review status: no assertion criteria provided. Collection method: literature only. Allele origin: germline. Not counted in ClinVar's aggregate classification.

Literature cited by the submitters: PubMed 26545878 (cited by 3 submitters); PubMed 31912665 (cited by Labcorp Genetics (formerly Invitae), Labcorp and Women's Health and Genetics/Laboratory Corporation of America, LabCorp); PubMed 35032046 (cited by Women's Health and Genetics/Laboratory Corporation of America, LabCorp); PubMed 37267771 (cited by Women's Health and Genetics/Laboratory Corporation of America, LabCorp); PubMed 34111619 (cited by Women's Health and Genetics/Laboratory Corporation of America, LabCorp); PubMed 37965292 (cited by Women's Health and Genetics/Laboratory Corporation of America, LabCorp).

NM_016401.4(HIKESHI):c.160G>C (p.Val54Leu)

Gene: HIKESHI (heat shock protein nuclear import factor hikeshi; plus strand). Cytogenetic location: 11q14.2.
Variant type: single nucleotide variant.
Coding change: c.160G>C on transcript NM_016401.4 (MANE Select); coding-DNA position 160, G replaced by C.
Protein change: p.Val54Leu; replaces valine 54 with leucine.
Molecular consequence: missense variant. On other transcripts: non-coding transcript variant (1).
Genome position (GRCh38, 1-based): chr11:86,306,374, G>C. VCF-style: chr11-86306374-G-C. GRCh37 (hg19) VCF-style: chr11-86017416-G-C.
Other names: c.160G>C, p.Val54Leu (NM_001322404.2); c.43G>C, p.Val15Leu (NM_001322407.2, NM_001322409.2); short protein forms V54L, V15L.
Identifiers: ClinVar variation 224891 (VCV000224891.10), dbSNP rs202003795, ClinGen allele CA354143.